The following is an entry in ClinVar:

ClinVar aggregate classification (germline): Pathogenic (1 of 4 stars; one submission).

Submission:

Labcorp Genetics (formerly Invitae), Labcorp
Classification: Pathogenic. Last evaluated: 2024-07-13. Review status: criteria provided, single submitter. Criteria: Invitae Variant Classification Sherloc (09022015). Collection method: clinical testing. Allele origin: germline.
Comment: This sequence change creates a premature translational stop signal (p.Cys54*) in the PHEX gene. It is expected to result in an absent or disrupted protein product. Loss-of-function variants in PHEX are known to be pathogenic (PMID: 9097956, 9106524, 19219621). This variant is not present in population databases (gnomAD no frequency). This premature translational stop signal has been observed in individual(s) with PHEX-related conditions (PMID: 30682568). For these reasons, this variant has been classified as Pathogenic.

Literature cited by the submitters: PubMed 9097956; PubMed 9106524; PubMed 19219621; PubMed 30682568.

NM_000444.6(PHEX):c.162C>A (p.Cys54Ter)

Gene: PHEX (phosphate regulating endopeptidase X-linked; plus strand). Cytogenetic location: Xp22.11.
Variant type: single nucleotide variant.
Coding change: c.162C>A on transcript NM_000444.6 (MANE Select); coding-DNA position 162, C replaced by A.
Protein change: p.Cys54Ter; replaces cysteine 54 with a stop codon.
Molecular consequence: nonsense.
Genome position (GRCh38, 1-based): chrX:22,038,512, C>A. VCF-style: chrX-22038512-C-A. GRCh37 (hg19) VCF-style: chrX-22056630-C-A.
Other names: c.162C>A, p.Cys54Ter (NM_001282754.2); short protein forms C54*.
Identifiers: ClinVar variation 3709138 (VCV003709138.2).